The following is an entry in ClinVar:

NM_003873.7(NRP1):c.2470A>G (p.Ile824Val)

Gene: NRP1 (neuropilin 1; minus strand). Cytogenetic location: 10p11.22.
Variant type: single nucleotide variant.
Coding change: c.2470A>G on transcript NM_003873.7 (MANE Select); coding-DNA position 2470, A replaced by G.
Protein change: p.Ile824Val; replaces isoleucine 824 with valine.
Molecular consequence: missense variant. On other transcripts: non-coding transcript variant (1), intron variant (1).
Genome position (GRCh38, 1-based): chr10:33,182,710, T>C on the plus strand (A>G on the coding strand, the complement: NRP1 is on the minus strand). VCF-style: chr10-33182710-T-C. GRCh37 (hg19) VCF-style: chr10-33471638-T-C.
Other names: c.2452A>G, p.Ile818Val (NM_001244972.2); c.2449A>G, p.Ile817Val (NM_001244973.2); c.2432-2345A>G (NM_001330068.2); short protein forms I818V, I817V, I824V.
Identifiers: ClinVar variation 4991067 (VCV004991067.1).
Genomic context (GRCh38, chr10:33,182,710, plus strand): 5'-AAAGCCATAGTAAAATTTTTTAAAAATTGGTCAGCAAGACAAATTTACCTGTTTCATCAA[T>C]TTTAATTTCTGGGTTCTTTTTATCCAGGTCTGCTGGTTCTGACAAGTCAAACAAAATTGA-3'
Protein context (NP_003864.5, residues 814-834): DLDKKNPEIK[Ile824Val]DETGSTPGYE

ClinVar aggregate classification (germline): Uncertain significance (1 of 4 stars; one submission).

Conditions:
NRP1-related disorder. Also called: NRP1-related condition.

Submission:

PreventionGenetics, part of Exact Sciences
Classification: Uncertain significance for NRP1-related condition. Last evaluated: 2026-06-05. Review status: criteria provided, single submitter. Criteria: ACMG Guidelines, 2015. Collection method: clinical testing. Allele origin: germline.
Comment: The NRP1 c.2470A>G variant is predicted to result in the amino acid substitution p.Ile824Val. To our knowledge, this variant has not been reported in the literature or in a large population database (gnomAD), indicating this variant is rare. At this time, the clinical significance of this variant is uncertain due to the absence of conclusive functional and genetic evidence.